The following is an entry in ClinVar:

NM_000051.4(ATM):c.3993+6G>T

Gene: ATM (ATM serine/threonine kinase; plus strand). Cytogenetic location: 11q22.3.
Variant type: single nucleotide variant.
Coding change: c.3993+6G>T on transcript NM_000051.4 (MANE Select); 6 bases into the intron after coding-DNA position 3993, G replaced by T.
Molecular consequence: intron variant.
Genome position (GRCh38, 1-based): chr11:108,284,479, G>T. VCF-style: chr11-108284479-G-T. GRCh37 (hg19) VCF-style: chr11-108155206-G-T.
Other names: c.3993+6G>T (NM_001351834.2).
Identifiers: ClinVar variation 236714 (VCV000236714.8), dbSNP rs878853508, ClinGen allele CA10582816.

ClinVar aggregate classification (germline): Likely benign. Review status: criteria provided, multiple submitters, no conflicts (2 of 4 stars). 3 submissions from 3 submitters: Likely benign (2). 1 of the submissions does not count toward it. Last evaluated 2025-02-02.

Conditions:
Familial cancer of breast. Also called: hereditary breast carcinoma; BREAST CANCER, FAMILIAL; Hereditary breast cancer. Identifiers: Orphanet 227535, MedGen C0346153, MONDO:0016419, OMIM 114480. Disease mechanism: loss of function.
Ataxia-telangiectasia syndrome (AT). Also called: Ataxia telangiectasia (A-T); LOUIS-BAR SYNDROME; Cerebello-oculocutaneous telangiectasia; Immunodeficiency with ataxia telangiectasia; ATAXIA-TELANGIECTASIA, COMPLEMENTATION GROUP A; ATAXIA-TELANGIECTASIA, FRESNO VARIANT. Identifiers: Orphanet 100, MedGen C0004135, MONDO:0008840, OMIM 208900.

Allele frequency attached by ClinVar (database versions not stated): gnomAD exomes below 0.00001.
gnomAD v4.1: 1 of 1,613,678 alleles (0.000062%); highest among the groups gnomAD compares: Non-Finnish European, 0.000085%; no homozygotes.

Submissions (3):

Labcorp Genetics (formerly Invitae), Labcorp
Classification: Likely benign for Ataxia-telangiectasia syndrome. Last evaluated: 2025-02-02. Review status: criteria provided, single submitter. Criteria: Invitae Variant Classification Sherloc (09022015). Collection method: clinical testing. Allele origin: germline.

Myriad Genetics, Inc.
Classification: Likely benign for Familial cancer of breast. Last evaluated: 2024-05-16. Review status: criteria provided, single submitter. Criteria: Myriad Autosomal Dominant, Autosomal Recessive and X-Linked Classification Criteria (2023). Collection method: clinical testing. Allele origin: unknown.
Comment: This variant is considered likely benign. This variant is intronic and is not expected to impact mRNA splicing.

Natera, Inc.
Classification: Uncertain significance for Ataxia-telangiectasia. Last evaluated: 2025-03-31. Review status: no assertion criteria provided. Collection method: clinical testing. Allele origin: germline. Not counted in ClinVar's aggregate classification.